The following is an entry in ClinVar:

NM_001430.5(EPAS1):c.2063G>T (p.Gly688Val)

Gene: EPAS1 (endothelial PAS domain protein 1; plus strand). Cytogenetic location: 2p21.
Variant type: single nucleotide variant.
Coding change: c.2063G>T on transcript NM_001430.5 (MANE Select); coding-DNA position 2063, G replaced by T.
Protein change: p.Gly688Val; replaces glycine 688 with valine.
Molecular consequence: missense variant.
Genome position (GRCh38, 1-based): chr2:46,381,613, G>T. VCF-style: chr2-46381613-G-T. GRCh37 (hg19) VCF-style: chr2-46608752-G-T.
Other names: short protein forms G688V.
Identifiers: ClinVar variation 2624641 (VCV002624641.2), dbSNP rs2546479444, ClinGen allele CA346705458.

ClinVar aggregate classification (germline): Uncertain significance (1 of 4 stars; one submission).

Conditions:
Inborn genetic diseases. Identifiers: MedGen C0950123, MeSH D030342.

Allele frequency attached by ClinVar (database versions not stated): gnomAD exomes below 0.00001.
gnomAD v4.1: 1 of 1,613,992 alleles (0.000062%); highest among the groups gnomAD compares: Non-Finnish European, 0.000085%; no homozygotes.

Submission:

Ambry Genetics
Classification: Uncertain significance for Inborn genetic diseases. Last evaluated: 2023-06-24. Review status: criteria provided, single submitter. Criteria: Ambry Variant Classification Scheme 2023. Collection method: clinical testing. Allele origin: germline.
Comment: The p.G688V variant (also known as c.2063G>T), located in coding exon 13 of the EPAS1 gene, results from a G to T substitution at nucleotide position 2063. The glycine at codon 688 is replaced by valine, an amino acid with dissimilar properties. This amino acid position is conserved. In addition, this alteration is predicted to be tolerated by in silico analysis. Since supporting evidence is limited at this time, the clinical significance of this alteration remains unclear.